The following is an entry in ClinVar:

ClinVar aggregate classification (germline): Likely benign. Review status: criteria provided, multiple submitters, no conflicts (2 of 4 stars). 5 submissions from 5 submitters: Likely benign (5). Last evaluated 2025-12-20.

Conditions:
Cardiovascular phenotype. Identifiers: MedGen CN230736.

Allele frequency attached by ClinVar (database versions not stated): ExAC 0.00023.
gnomAD v4.1: 61 of 1,542,100 alleles (0.004%); highest among the groups gnomAD compares: South Asian, 0.022%; no homozygotes.

Submissions (5):

Labcorp Genetics (formerly Invitae), Labcorp
Classification: Likely benign. Last evaluated: 2025-12-20. Review status: criteria provided, single submitter. Criteria: Invitae Variant Classification Sherloc (09022015). Collection method: clinical testing. Allele origin: germline.

Blueprint Genetics
Classification: Likely benign. Last evaluated: 2024-11-08. Review status: criteria provided, single submitter. Criteria: ACMG Guidelines, 2015. Collection method: clinical testing. Allele origin: germline.

CeGaT Center for Human Genetics Tuebingen
Classification: Likely benign. Last evaluated: 2022-10-01. Review status: criteria provided, single submitter. Criteria: CeGaT Center For Human Genetics Tuebingen Variant Classification Criteria Version 2. Collection method: clinical testing. Allele origin: germline. Affected: yes. Observed: 1 variant allele.
Comment: ZNF469: BP4, BP7

Ambry Genetics
Classification: Likely benign for Cardiovascular phenotype. Last evaluated: 2021-08-05. Review status: criteria provided, single submitter. Criteria: Ambry Variant Classification Scheme 2023. Collection method: clinical testing. Allele origin: germline.

GeneDx
Classification: Likely benign. Last evaluated: 2020-09-21. Review status: criteria provided, single submitter. Criteria: GeneDx Variant Classification Process June 2021. Collection method: clinical testing. Allele origin: germline. Affected: yes.

NM_001367624.2(ZNF469):c.9099C>T (p.Pro3033=)

Gene: ZNF469 (zinc finger protein 469; plus strand). Cytogenetic location: 16q24.2.
Variant type: single nucleotide variant.
Coding change: c.9099C>T on transcript NM_001367624.2 (MANE Select); coding-DNA position 9099, C replaced by T.
Protein change: p.Pro3033=; no amino-acid change (proline 3033 retained).
Molecular consequence: synonymous variant.
Genome position (GRCh38, 1-based): chr16:88,436,569, C>T. VCF-style: chr16-88436569-C-T. GRCh37 (hg19) VCF-style: chr16-88502977-C-T.
Other names: NM_001127464.1:c.9015C>T.
Identifiers: ClinVar variation 1223788 (VCV001223788.35), dbSNP rs745592403, ClinGen allele CA8225408.